The following is an entry in ClinVar:

ClinVar aggregate classification (germline): Likely benign (0 of 4 stars; one submission).

Conditions:
ASXL3-related disorder. Also called: ASXL3-related condition. Identifiers: MedGen CN381524.

Allele frequency attached by ClinVar (database versions not stated): gnomAD 0.00002.
gnomAD v4.1: 65 of 1,613,886 alleles (0.004%); highest among the groups gnomAD compares: South Asian, 0.045%; no homozygotes.

Submission:

PreventionGenetics, part of Exact Sciences
Classification: Likely benign for ASXL3-related condition. Last evaluated: 2019-09-10. Review status: no assertion criteria provided. Collection method: clinical testing. Allele origin: germline.
Comment: This variant is classified as likely benign based on ACMG/AMP sequence variant interpretation guidelines (Richards et al. 2015 PMID: 25741868, with internal and published modifications).

NM_030632.3(ASXL3):c.5649C>T (p.Ser1883=)

Gene: ASXL3 (ASXL transcriptional regulator 3; plus strand). Cytogenetic location: 18q12.1.
Variant type: single nucleotide variant.
Coding change: c.5649C>T on transcript NM_030632.3 (MANE Select); coding-DNA position 5649, C replaced by T.
Protein change: p.Ser1883=; no amino-acid change (serine 1883 retained).
Molecular consequence: synonymous variant.
Genome position (GRCh38, 1-based): chr18:33,745,497, C>T. VCF-style: chr18-33745497-C-T. GRCh37 (hg19) VCF-style: chr18-31325461-C-T.
Identifiers: ClinVar variation 3040981 (VCV003040981.2), dbSNP rs775666145, ClinGen allele CA8934455.
Genomic context (GRCh38, chr18:33,745,497, plus strand): 5'-CGGCATCAGTCAGCTAGGACACAGCCAGCCATTTAAGCAAGAATGGCTAAACAAGCACTC[C>T]ATGCAGAACAGAATTGTTCACAGCCCTGAGGTCAAACAGCAAAAGCGGCTGCTCCCCTCG-3'
Protein context (NP_085135.1, residues 1873-1893): PFKQEWLNKH[Ser1883=]MQNRIVHSPE